The following is an entry in ClinVar:

NM_001365536.1(SCN9A):c.4699A>G (p.Ile1567Val)

Genes: SCN1A-AS1 (SCN1A and SCN9A antisense RNA 1; plus strand), SCN9A (sodium voltage-gated channel alpha subunit 9; minus strand). Cytogenetic location: 2q24.3.
Variant type: single nucleotide variant.
Coding change: c.4699A>G on transcript NM_001365536.1 (MANE Select); coding-DNA position 4699, A replaced by G.
Protein change: p.Ile1567Val; replaces isoleucine 1567 with valine.
Molecular consequence: missense variant.
Genome position (GRCh38, 1-based): chr2:166,204,030, T>C on the plus strand (A>G on the coding strand, the complement: SCN9A is on the minus strand). VCF-style: chr2-166204030-T-C. GRCh37 (hg19) VCF-style: chr2-167060540-T-C.
Other names: c.4666A>G, p.Ile1556Val (NM_002977.4); short protein forms I1556V, I1567V.
Identifiers: ClinVar variation 580995 (VCV000580995.10), dbSNP rs1558944954, ClinGen allele CA349057406.

ClinVar aggregate classification (germline): Uncertain significance (1 of 4 stars; one submission).

Conditions:
Neuropathy, hereditary sensory and autonomic, type 2A (HSAN2A). Also called: ACROOSTEOLYSIS, GIACCAI TYPE; ACROOSTEOLYSIS, NEUROGENIC; MORVAN DISEASE; NEUROPATHY, CONGENITAL SENSORY; NEUROPATHY, HEREDITARY SENSORY RADICULAR, AUTOSOMAL RECESSIVE; NEUROPATHY, HEREDITARY SENSORY, TYPE IIA. Identifiers: Orphanet 970, MedGen C2752089, MONDO:0024309, OMIM 201300.
Generalized epilepsy with febrile seizures plus, type 7 (GEFSP7). Also called: GEFS+, TYPE 7. Identifiers: Orphanet 36387, MedGen C2751778, MONDO:0013470, OMIM 613863.

gnomAD v4.1: 4 of 1,608,250 alleles (0.00025%); highest among the groups gnomAD compares: South Asian, 0.0022%; no homozygotes.

Submission:

Labcorp Genetics (formerly Invitae), Labcorp
Classification: Uncertain significance for Neuropathy, hereditary sensory and autonomic, type 2A; Generalized epilepsy with febrile seizures plus, type 7. Last evaluated: 2018-09-17. Review status: criteria provided, single submitter. Criteria: Invitae Variant Classification Sherloc (09022015). Collection method: clinical testing. Allele origin: germline.
Comment: In summary, the available evidence is currently insufficient to determine the role of this variant in disease. Therefore, it has been classified as a Variant of Uncertain Significance. Algorithms developed to predict the effect of missense changes on protein structure and function output the following: SIFT: "Tolerated"; PolyPhen-2: "Benign"; Align-GVGD: "Class C0". The valine amino acid residue is found in multiple mammalian species, suggesting that this missense change does not adversely affect protein function. These predictions have not been confirmed by published functional studies and their clinical significance is uncertain. This variant has not been reported in the literature in individuals with SCN9A-related disease. This variant is not present in population databases (ExAC no frequency). This sequence change replaces isoleucine with valine at codon 1556 of the SCN9A protein (p.Ile1556Val). The isoleucine residue is highly conserved and there is a small physicochemical difference between isoleucine and valine.